The following is an entry in ClinVar:

ClinVar aggregate classification (germline): Pathogenic/Likely pathogenic. Review status: criteria provided, multiple submitters, no conflicts (2 of 4 stars). 4 submissions from 4 submitters: Pathogenic (2); Likely pathogenic (1). 1 of the submissions does not count toward it. Last evaluated 2023-03-22.

Conditions:
Acroosteolysis-keloid-like lesions-premature aging syndrome. Also called: Premature aging syndrome, Penttinen type; Prematurely aged appearance, delayed bone maturation, acro-osteolysis, and brachydactyly; Progeroid syndrome, Penttinen type. Identifiers: Orphanet 363665, MedGen C1866182, MONDO:0011150, OMIM 601812.
Myeloproliferative disorder, chronic, with eosinophilia. Also called: EOSINOPHILS, MALIGNANT PROLIFERATION OF; Malignant eosinophil proliferation. Identifiers: MedGen C1851585, MONDO:0007546, OMIM 131440, HP:0006782.

Submissions (4):

Centre of Medical Genetics, University Hospital Muenster
Classification: Likely pathogenic. Last evaluated: 2023-03-22. Review status: criteria provided, single submitter. Criteria: ACMG Guidelines, 2015. Collection method: clinical testing. Allele origin: unknown. Affected: yes. Observed: 1 variant allele, 1 heterozygote.
Comment: ACMG categories: PM1,PM2,PM5,PP3,PP5

GeneDx
Classification: Pathogenic. Last evaluated: 2023-02-21. Review status: criteria provided, single submitter. Criteria: GeneDx Variant Classification Process June 2021. Collection method: clinical testing. Allele origin: germline. Affected: yes.
Comment: Published functional studies show that the variant disrupts normal protein function (Bredrup et al., 2019); Not observed in large population cohorts (gnomAD); This variant is associated with the following publications: (PMID: 30573803, 34799960)

Mendelics
Classification: Pathogenic for Myeloproliferative disorder, chronic, with eosinophilia. Last evaluated: 2022-05-04. Review status: criteria provided, single submitter. Criteria: Mendelics Assertion Criteria 2019. Collection method: clinical testing. Allele origin: germline.

OMIM
Classification: Pathogenic for PREMATURE AGING SYNDROME, PENTTINEN TYPE. Last evaluated: 2024-04-11. Review status: no assertion criteria provided. Collection method: literature only. Allele origin: germline. Not counted in ClinVar's aggregate classification.

Literature cited by the submitters: PubMed 30573803 (cited by OMIM).

NM_002609.4(PDGFRB):c.1997A>G (p.Asn666Ser)

Gene: PDGFRB (platelet derived growth factor receptor beta; minus strand). Cytogenetic location: 5q32.
Variant type: single nucleotide variant.
Coding change: c.1997A>G on transcript NM_002609.4 (MANE Select); coding-DNA position 1997, A replaced by G.
Protein change: p.Asn666Ser; replaces asparagine 666 with serine.
Molecular consequence: missense variant.
Genome position (GRCh38, 1-based): chr5:150,124,276, T>C on the plus strand (A>G on the coding strand, the complement: PDGFRB is on the minus strand). VCF-style: chr5-150124276-T-C. GRCh37 (hg19) VCF-style: chr5-149503839-T-C.
Other names: c.1997A>G (NM_002609.3); c.1805A>G, p.Asn602Ser (NM_001355016.2); c.1514A>G, p.Asn505Ser (NM_001355017.2); short protein forms N505S, N602S, N666S.
Identifiers: ClinVar variation 1686016 (VCV001686016.7), dbSNP rs2113894766, ClinGen allele CA361764539.